The following is an entry in ClinVar:

ClinVar aggregate classification (germline): Uncertain significance (1 of 4 stars; one submission).

Allele frequency attached by ClinVar (database versions not stated): TOPMed below 0.00001; gnomAD 0.00001; ExAC 0.00002; ESP Exome Variant Server 0.00008.
gnomAD v4.1: 48 of 1,612,828 alleles (0.003%); highest among the groups gnomAD compares: Non-Finnish European, 0.0038%; no homozygotes.

Submission:

Labcorp Genetics (formerly Invitae), Labcorp
Classification: Uncertain significance. Last evaluated: 2025-01-20. Review status: criteria provided, single submitter. Criteria: Invitae Variant Classification Sherloc (09022015). Collection method: clinical testing. Allele origin: germline.
Comment: This sequence change replaces glutamine, which is neutral and polar, with arginine, which is basic and polar, at codon 1701 of the SORL1 protein (p.Gln1701Arg). This variant is present in population databases (rs367873819, gnomAD 0.004%). This variant has not been reported in the literature in individuals affected with SORL1-related conditions. ClinVar contains an entry for this variant (Variation ID: 1944918). An algorithm developed to predict the effect of missense changes on protein structure and function (PolyPhen-2) suggests that this variant is likely to be tolerated. In summary, the available evidence is currently insufficient to determine the role of this variant in disease. Therefore, it has been classified as a Variant of Uncertain Significance.

NM_003105.6(SORL1):c.5102A>G (p.Gln1701Arg)

Gene: SORL1 (sortilin related receptor 1; plus strand). Cytogenetic location: 11q24.1.
Variant type: single nucleotide variant.
Coding change: c.5102A>G on transcript NM_003105.6 (MANE Select); coding-DNA position 5102, A replaced by G.
Protein change: p.Gln1701Arg; replaces glutamine 1701 with arginine.
Molecular consequence: missense variant.
Genome position (GRCh38, 1-based): chr11:121,607,226, A>G. VCF-style: chr11-121607226-A-G. GRCh37 (hg19) VCF-style: chr11-121477935-A-G.
Other names: short protein forms Q1701R.
Identifiers: ClinVar variation 1944918 (VCV001944918.5), dbSNP rs367873819, ClinGen allele CA6329838.